The following is an entry in ClinVar:

NM_015272.5(RPGRIP1L):c.3013A>G (p.Ile1005Val)

Gene: RPGRIP1L (RPGRIP1 like; minus strand). Cytogenetic location: 16q12.2.
Variant type: single nucleotide variant.
Coding change: c.3013A>G on transcript NM_015272.5 (MANE Select); coding-DNA position 3013, A replaced by G.
Protein change: p.Ile1005Val; replaces isoleucine 1005 with valine.
Molecular consequence: missense variant. On other transcripts: intron variant (2).
Genome position (GRCh38, 1-based): chr16:53,638,357, T>C on the plus strand (A>G on the coding strand, the complement: RPGRIP1L is on the minus strand). VCF-style: chr16-53638357-T-C. GRCh37 (hg19) VCF-style: chr16-53672269-T-C.
Other names: c.3013A>G (NM_015272.4); c.3013A>G, p.Ile1005Val (NM_001308334.3); c.2959-503A>G (NM_001127897.4, NM_001330538.2); short protein forms I1005V.
Identifiers: ClinVar variation 968343 (VCV000968343.13), dbSNP rs780310164, ClinGen allele CA8057383.
Genomic context (GRCh38, chr16:53,638,357, plus strand): 5'-CACAAATGCATACCTTGGGAACATGTGGAACAGTCAGCATATTAATTTCTATTTCTGGTA[T>C]ATGCTCTACCTCTGGTGAAATTTCCTTCCTATCTTCAGGAGGAGGAGAAGTCTCCTTATA-3'
Protein context (NP_056087.2, residues 995-1015): RKEISPEVEH[Ile1005Val]PEIEINMLTV

ClinVar aggregate classification (germline): Uncertain significance. Review status: criteria provided, multiple submitters, no conflicts (2 of 4 stars). 5 submissions from 5 submitters: Uncertain significance (3). 2 of the submissions do not count toward it. Last evaluated 2026-01-27.

Conditions:
Joubert syndrome. Also called: JOUBERT-BOLTSHAUSER SYNDROME; Familial aplasia of the vermis. Identifiers: Orphanet 475, MedGen C5979921, MONDO:0018772.
RPGRIP1L-related disorder. Also called: RPGRIP1L-related disorders; RPGRIP1L-related condition. Identifiers: MedGen CN239416.
Meckel-Gruber syndrome. Also called: Dysencephalia splachnocystica; DYSENCEPHALIA SPLANCHNOCYSTICA; GRUBER SYNDROME. Identifiers: Orphanet 564, MedGen C0265215, MONDO:0018921.

Allele frequency attached by ClinVar (database versions not stated): gnomAD exomes 0.00001 and 0.00002; ExAC 0.00002; gnomAD 0.00003; TOPMed 0.00003.
gnomAD v4.1: 18 of 1,600,650 alleles (0.0011%); highest among the groups gnomAD compares: African/African-American, 0.0027%; no homozygotes.

Submissions (5):

GeneDx
Classification: Uncertain significance. Last evaluated: 2026-01-27. Review status: criteria provided, single submitter. Criteria: GeneDx Variant Classification Process June 2021. Collection method: clinical testing. Allele origin: germline.
Comment: Not observed at significant frequency in large population cohorts (gnomAD); In silico analysis suggests that this missense variant does not alter protein structure/function; Has not been previously published as pathogenic or benign to our knowledge

Labcorp Genetics (formerly Invitae), Labcorp
Classification: Uncertain significance for Joubert syndrome; Meckel-Gruber syndrome. Last evaluated: 2023-11-27. Review status: criteria provided, single submitter. Criteria: Invitae Variant Classification Sherloc (09022015). Collection method: clinical testing. Allele origin: germline.
Comment: This sequence change replaces isoleucine, which is neutral and non-polar, with valine, which is neutral and non-polar, at codon 1005 of the RPGRIP1L protein (p.Ile1005Val). This variant is present in population databases (rs780310164, gnomAD 0.004%). This variant has not been reported in the literature in individuals affected with RPGRIP1L-related conditions. ClinVar contains an entry for this variant (Variation ID: 968343). An algorithm developed to predict the effect of missense changes on protein structure and function (PolyPhen-2) suggests that this variant is likely to be tolerated. In summary, the available evidence is currently insufficient to determine the role of this variant in disease. Therefore, it has been classified as a Variant of Uncertain Significance.

Blueprint Genetics
Classification: Uncertain significance. Last evaluated: 2020-04-29. Review status: criteria provided, single submitter. Criteria: ACMG Guidelines, 2015. Collection method: clinical testing. Allele origin: germline.

PreventionGenetics, part of Exact Sciences
Classification: Uncertain significance for RPGRIP1L-related condition. Last evaluated: 2024-05-14. Review status: no assertion criteria provided. Collection method: clinical testing. Allele origin: germline. Not counted in ClinVar's aggregate classification.
Comment: The RPGRIP1L c.3013A>G variant is predicted to result in the amino acid substitution p.Ile1005Val. To our knowledge, this variant has not been reported in the literature. This variant is reported in 0.0044% of alleles in individuals of European (Non-Finnish) descent in gnomAD. At this time, the clinical significance of this variant is uncertain due to the absence of conclusive functional and genetic evidence.

Natera, Inc.
Classification: Uncertain significance for Joubert syndrome. Last evaluated: 2021-07-29. Review status: no assertion criteria provided. Collection method: clinical testing. Allele origin: germline. Not counted in ClinVar's aggregate classification.